The following is an entry in ClinVar:

ClinVar aggregate classification (germline): Likely benign. Review status: criteria provided, multiple submitters, no conflicts (2 of 4 stars). 2 submissions from 2 submitters: Likely benign (2). Last evaluated 2026-05-29.

Conditions:
Gastrointestinal stromal tumor. Also called: Gastrointestinal stromal tumor, somatic; Gastrointestinal stroma tumor. Identifiers: Orphanet 44890, MedGen C0238198, MeSH D046152, MONDO:0011719, OMIM 606764, HP:0100723.

Allele frequency attached by ClinVar (database versions not stated): gnomAD exomes below 0.00001; TOPMed 0.00001.
gnomAD v4.1: 1 of 1,612,858 alleles (0.000062%); highest among the groups gnomAD compares: Admixed American, 0.0017%; no homozygotes.

Submissions (2):

Myriad Genetics, Inc.
Classification: Likely benign for Gastrointestinal stromal tumor. Last evaluated: 2026-05-29. Review status: criteria provided, single submitter. Criteria: Myriad Autosomal Dominant, Autosomal Recessive and X-Linked Classification Criteria (2023). Collection method: clinical testing. Allele origin: unknown.
Comment: This variant is considered likely benign. This variant is intronic and is not expected to impact mRNA splicing.

Labcorp Genetics (formerly Invitae), Labcorp
Classification: Likely benign for Gastrointestinal stromal tumor. Last evaluated: 2025-12-08. Review status: criteria provided, single submitter. Criteria: Invitae Variant Classification Sherloc (09022015). Collection method: clinical testing. Allele origin: germline.

NM_000222.3(KIT):c.2234-18A>C

Gene: KIT (KIT proto-oncogene, receptor tyrosine kinase; plus strand). Cytogenetic location: 4q12.
Variant type: single nucleotide variant.
Coding change: c.2234-18A>C on transcript NM_000222.3 (MANE Select); 18 bases into the intron before coding-DNA position 2234, A replaced by C.
Molecular consequence: intron variant.
Genome position (GRCh38, 1-based): chr4:54,731,853, A>C. VCF-style: chr4-54731853-A-C. GRCh37 (hg19) VCF-style: chr4-55598019-A-C.
Other names: c.2237-18A>C (NM_001385284.1); c.2234-18A>C (NM_001385290.1); c.2225-18A>C (NM_001385288.1); c.2222-18A>C (NM_001385292.1, NM_001093772.2); c.2231-18A>C (NM_001385285.1); c.2219-18A>C (NM_001385286.1).
Identifiers: ClinVar variation 1636734 (VCV001636734.9), dbSNP rs999231570, ClinGen allele CA96878328.